The following is an entry in ClinVar:

NM_006393.3(NEBL):c.116T>C (p.Met39Thr)

Gene: NEBL (nebulette; minus strand). Cytogenetic location: 10p12.31.
Variant type: single nucleotide variant.
Coding change: c.116T>C on transcript NM_006393.3 (MANE Select); coding-DNA position 116, T replaced by C.
Protein change: p.Met39Thr; replaces methionine 39 with threonine.
Molecular consequence: missense variant. On other transcripts: intron variant (9).
Genome position (GRCh38, 1-based): chr10:20,896,995, A>G on the plus strand (T>C on the coding strand, the complement: NEBL is on the minus strand). VCF-style: chr10-20896995-A-G. GRCh37 (hg19) VCF-style: chr10-21185924-A-G.
Other names: c.249+64677T>C (NM_001377326.1, NM_001377327.1, NM_001377328.1); c.357+64677T>C (NM_213569.2, NM_001173484.2, NM_001377322.1); c.300+64677T>C (NM_001377324.1); c.291+64677T>C (NM_001377325.1); c.309+64677T>C (NM_001377323.1); short protein forms M39T.
Identifiers: ClinVar variation 2062345 (VCV002062345.4), dbSNP rs146874652, ClinGen allele CA5433374.

ClinVar aggregate classification (germline): Uncertain significance (1 of 4 stars; one submission).

Conditions:
Primary dilated cardiomyopathy (DCM). Also called: Dilated Cardiomyopathy. Identifiers: Orphanet 217604, MedGen C0007193, MeSH D002311, MONDO:0005021, HP:0001644. Inheritance: Various modes of inheritance.

Allele frequency attached by ClinVar (database versions not stated): ExAC 0.00003; TOPMed 0.00003; gnomAD 0.00005; ESP Exome Variant Server 0.00008.
gnomAD v4.1: 45 of 1,613,872 alleles (0.0028%); highest among the groups gnomAD compares: Non-Finnish European, 0.0031%; no homozygotes.

Submission:

Labcorp Genetics (formerly Invitae), Labcorp
Classification: Uncertain significance for Primary dilated cardiomyopathy. Last evaluated: 2025-08-28. Review status: criteria provided, single submitter. Criteria: Invitae Variant Classification Sherloc (09022015). Collection method: clinical testing. Allele origin: germline.
Comment: This sequence change replaces methionine, which is neutral and non-polar, with threonine, which is neutral and polar, at codon 39 of the NEBL protein (p.Met39Thr). This variant is present in population databases (rs146874652, gnomAD 0.01%). This variant has not been reported in the literature in individuals affected with NEBL-related conditions. ClinVar contains an entry for this variant (Variation ID: 2062345). An algorithm developed to predict the effect of missense changes on protein structure and function (PolyPhen-2) suggests that this variant is likely to be disruptive. In summary, the available evidence is currently insufficient to determine the role of this variant in disease. Therefore, it has been classified as a Variant of Uncertain Significance.